The following is an entry in ClinVar:

NM_007186.6(CEP250):c.7182_7185del (p.Leu2396fs)

Gene: CEP250 (centrosomal protein 250; plus strand). Cytogenetic location: 20q11.22.
Variant type: Deletion.
Coding change: c.7182_7185del on transcript NM_007186.6 (MANE Select); coding-DNA positions 7182 to 7185, 4 bases deleted (ACTT; older notation c.7182_7185delACTT).
Protein change: p.Leu2396fs; shifts the reading frame from leucine 2396.
Molecular consequence: frameshift variant.
Genome position (GRCh38, 1-based): chr20:35,511,479-35,511,482, ACTT deleted. VCF-style (leftmost placement, unchanged base first): chr20-35511478-CACTT-C. GRCh37 (hg19) VCF-style: chr20-34099307-CACTT-C.
Other names: c.5286_5289del, p.Leu1764fs (NM_001318219.1); short protein forms L1764fs, L2396fs.
Identifiers: ClinVar variation 1425286 (VCV001425286.8), dbSNP rs2147240323, ClinGen allele CA2573157070.

ClinVar aggregate classification (germline): Uncertain significance (1 of 4 stars; one submission).

Submission:

Labcorp Genetics (formerly Invitae), Labcorp
Classification: Uncertain significance. Last evaluated: 2022-07-12. Review status: criteria provided, single submitter. Criteria: Invitae Variant Classification Sherloc (09022015). Collection method: clinical testing. Allele origin: germline.
Comment: In summary, the available evidence is currently insufficient to determine the role of this variant in disease. Therefore, it has been classified as a Variant of Uncertain Significance. Experimental studies and prediction algorithms are not available or were not evaluated, and the functional significance of this variant is currently unknown. ClinVar contains an entry for this variant (Variation ID: 1425286). This variant has not been reported in the literature in individuals affected with CEP250-related conditions. This variant is not present in population databases (gnomAD no frequency). This sequence change creates a premature translational stop signal (p.Leu2396Profs*22) in the CEP250 gene. While this is not anticipated to result in nonsense mediated decay, it is expected to disrupt the last 47 amino acid(s) of the CEP250 protein.